The following is an entry in ClinVar:

NM_138422.4(ADAT3):c.1020C>T (p.His340=)

Genes: ADAT3 (adenosine deaminase tRNA specific 3; plus strand), SCAMP4 (secretory carrier membrane protein 4; plus strand). Cytogenetic location: 19p13.3.
Variant type: single nucleotide variant.
Coding change: c.1020C>T on transcript NM_138422.4 (MANE Select); coding-DNA position 1020, C replaced by T.
Protein change: p.His340=; no amino-acid change (histidine 340 retained).
Molecular consequence: synonymous variant. On other transcripts: intron variant (3).
Genome position (GRCh38, 1-based): chr19:1,913,067, C>T. VCF-style: chr19-1913067-C-T. GRCh37 (hg19) VCF-style: chr19-1913066-C-T.
Other names: c.972C>T, p.His324= (NM_001329533.2); c.-41-1912C>T (NM_079834.4, NM_001329540.2); c.-125-4627C>T (NM_001329539.2).
Identifiers: ClinVar variation 4821986 (VCV004821986.4).
Genomic context (GRCh38, chr19:1,913,067, plus strand): 5'-GCGCGTCTTCTACGGTGCGCCCTCGCCCGACGGCGCCCTGGGCACCCGCTTCCGCATCCA[C>T]GCACGGCCCGACCTCAACCACCGCTTCCAGGTGTTCCGCGGGGTGCTGGAGGAGCAGTGC-3'
Protein context (NP_612431.2, residues 330-350): DGALGTRFRI[His340=]ARPDLNHRFQ

ClinVar aggregate classification (germline): Likely benign (1 of 4 stars; one submission).

gnomAD v4.1: 2 of 1,602,282 alleles (0.00012%); highest among the groups gnomAD compares: Middle Eastern, 0.017%; no homozygotes.

Submission:

CeGaT Center for Human Genetics Tuebingen
Classification: Likely benign. Last evaluated: 2026-02-01. Review status: criteria provided, single submitter. Criteria: CeGaT Center For Human Genetics Tuebingen Variant Classification Criteria Version 2. Collection method: clinical testing. Allele origin: germline. Affected: yes. Observed: 1 variant allele.
Comment: ADAT3: BP4, BP7